The following is an entry in ClinVar:

NM_004006.3(DMD):c.2169_2170delinsAA (p.Leu724Met)

Gene: DMD (dystrophin; minus strand). Cytogenetic location: Xp21.1.
Variant type: Indel.
Coding change: c.2169_2170delinsAA on transcript NM_004006.3 (MANE Select); coding-DNA positions 2169 to 2170, GT replaced by AA.
Protein change: p.Leu724Met; replaces leucine 724 with methionine.
Molecular consequence: missense variant.
Genome position (GRCh38, 1-based): chrX:32,518,130-32,518,131, AC replaced by TT on the plus strand (GT replaced by AA on the coding strand, the reverse complement: DMD is on the minus strand). VCF-style: chrX-32518130-AC-TT. GRCh37 (hg19) VCF-style: chrX-32536247-AC-TT.
Other names: c.2145_2146delinsAA, p.Leu716Met (NM_000109.4); c.2157_2158delinsAA, p.Leu720Met (NM_004009.3); c.1800_1801delinsAA, p.Leu601Met (NM_004010.3); short protein forms L601M, L716M, L720M, L724M.
Identifiers: ClinVar variation 4869862 (VCV004869862.1).

ClinVar aggregate classification (germline): Uncertain significance (1 of 4 stars; one submission).

Conditions:
Cardiovascular phenotype. Identifiers: MedGen CN230736.

Submission:

Ambry Genetics
Classification: Uncertain significance for Cardiovascular phenotype. Last evaluated: 2026-03-30. Review status: criteria provided, single submitter. Criteria: Ambry Variant Classification Scheme 2023. Collection method: clinical testing. Allele origin: germline.
Comment: The c.2169_2170delGTinsAA variant (also known as p.L724M), located in coding exon 18 of the DMD gene, results from an in-frame deletion of GT and insertion of AA at nucleotide positions 2169 to 2170. This results in the substitution of the leucine residue for a methionine residue at codon 724, an amino acid with highly similar properties. This amino acid position is not well conserved in available vertebrate species. In silico splice site analysis predicts that this alteration will weaken the native splice acceptor site, and will result in the creation or strengthening of a novel splice acceptor site. In addition, as a missense substitution this variant is predicted to be tolerated by in silico analysis. Based on the available evidence, the clinical significance of this variant remains unclear.